The following is an entry in ClinVar:

NC_000021.9:g.(?_46113998)_(46116063_?)dup

Gene: COL6A2 (collagen type VI alpha 2 chain; plus strand). Cytogenetic location: 21q22.3.
Variant type: Duplication.
Identifiers: ClinVar variation 831340 (VCV000831340.7).

ClinVar aggregate classification (germline): Uncertain significance (1 of 4 stars; one submission).

Conditions:
Bethlem myopathy 1A. Also called: MYOPATHY, BENIGN CONGENITAL, WITH CONTRACTURES; Bethlem Muscular Dystrophy; Bethlem myopathy 1. Identifiers: Orphanet 610, MedGen CN029274, MONDO:0024530, OMIM 158810.

Submission:

Labcorp Genetics (formerly Invitae), Labcorp
Classification: Uncertain significance for Bethlem myopathy 1A. Last evaluated: 2019-11-20. Review status: criteria provided, single submitter. Criteria: Invitae Variant Classification Sherloc (09022015). Collection method: clinical testing. Allele origin: germline.
Comment: In summary, the available evidence is currently insufficient to determine the role of this variant in disease. Therefore, it has been classified as a Variant of Uncertain Significance. This variant has not been reported in the literature in individuals with COL6A2-related conditions. This variant results in a copy number gain of the genomic region encompassing exons 5-7 of the COL6A2 gene. While the exact position of this variant cannot be determined from this data, sub-genic copy number gains are generally in tandem (PMID: 25640679). This variant would be expected to be in-frame, preserving the integrity of the reading frame.

Literature cited by the submitters: PubMed 25640679.